The following is an entry in ClinVar:

ClinVar aggregate classification (germline): Uncertain significance (1 of 4 stars; one submission).

Allele frequency attached by ClinVar (database versions not stated): gnomAD exomes 0.00001.
gnomAD v4.1: 6 of 1,613,960 alleles (0.00037%); highest among the groups gnomAD compares: Non-Finnish European, 0.00051%; no homozygotes.

Submission:

Labcorp Genetics (formerly Invitae), Labcorp
Classification: Uncertain significance. Last evaluated: 2021-11-01. Review status: criteria provided, single submitter. Criteria: Invitae Variant Classification Sherloc (09022015). Collection method: clinical testing. Allele origin: germline.
Comment: Algorithms developed to predict the effect of missense changes on protein structure and function output the following: SIFT: "Tolerated"; PolyPhen-2: "Not Available"; Align-GVGD: "Class C0". The arginine amino acid residue is found in multiple mammalian species, which suggests that this missense change does not adversely affect protein function. This sequence change replaces glycine, which is neutral and non-polar, with arginine, which is basic and polar, at codon 829 of the RIN2 protein (p.Gly829Arg). This variant is not present in population databases (gnomAD no frequency). This variant has not been reported in the literature in individuals affected with RIN2-related conditions. In summary, the available evidence is currently insufficient to determine the role of this variant in disease. Therefore, it has been classified as a Variant of Uncertain Significance.

NM_018993.4(RIN2):c.2485G>A (p.Gly829Arg)

Gene: RIN2 (Ras and Rab interactor 2; plus strand). Cytogenetic location: 20p11.23.
Variant type: single nucleotide variant.
Coding change: c.2485G>A on transcript NM_018993.4 (MANE Select); coding-DNA position 2485, G replaced by A.
Protein change: p.Gly829Arg; replaces glycine 829 with arginine.
Molecular consequence: missense variant.
Genome position (GRCh38, 1-based): chr20:20,000,733, G>A. VCF-style: chr20-20000733-G-A. GRCh37 (hg19) VCF-style: chr20-19981377-G-A.
Other names: c.2632G>A, p.Gly878Arg (NM_001242581.2); c.1867G>A, p.Gly623Arg (NM_001378238.1); short protein forms G878R, G829R, G623R.
Identifiers: ClinVar variation 1424075 (VCV001424075.6), dbSNP rs773914961, ClinGen allele CA408367644.
Genomic context (GRCh38, chr20:20,000,733, plus strand): 5'-GTGAGACCTTACATCACCACTGAGGATGTGTGTCAGATCTGCGCTGAGAAGTTCAAGGTG[G>A]GGGACCCTGAGGAGTACAGCCTCTTTCTCTTCGTTGACGAGACATGGCAGCAGCTGGCAG-3'
Protein context (NP_061866.1, residues 819-839): CQICAEKFKV[Gly829Arg]DPEEYSLFLF